The following is an entry in ClinVar:

NM_032271.3(TRAF7):c.1114C>T (p.Leu372=)

Gene: TRAF7 (TNF receptor associated factor 7; plus strand). Cytogenetic location: 16p13.3.
Variant type: single nucleotide variant.
Coding change: c.1114C>T on transcript NM_032271.3 (MANE Select); coding-DNA position 1114, C replaced by T.
Protein change: p.Leu372=; no amino-acid change (leucine 372 retained).
Molecular consequence: synonymous variant.
Genome position (GRCh38, 1-based): chr16:2,173,815, C>T. VCF-style: chr16-2173815-C-T. GRCh37 (hg19) VCF-style: chr16-2223816-C-T.
Identifiers: ClinVar variation 4873533 (VCV004873533.2).

ClinVar aggregate classification (germline): Likely benign (1 of 4 stars; one submission).

gnomAD v4.1: 91 of 1,610,898 alleles (0.0056%); highest among the groups gnomAD compares: African/African-American, 0.1%; no homozygotes.

Submission:

CeGaT Center for Human Genetics Tuebingen
Classification: Likely benign. Last evaluated: 2026-04-01. Review status: criteria provided, single submitter. Criteria: CeGaT Center For Human Genetics Tuebingen Variant Classification Criteria Version 2. Collection method: clinical testing. Allele origin: germline. Affected: yes. Observed: 1 variant allele.
Comment: TRAF7: BP4, BP7, BS1